The following is an entry in ClinVar:

NM_000397.4(CYBB):c.388C>A (p.Arg130=)

Gene: CYBB (cytochrome b-245 beta chain; plus strand). Cytogenetic location: Xp21.1.
Variant type: single nucleotide variant.
Coding change: c.388C>A on transcript NM_000397.4 (MANE Select); coding-DNA position 388, C replaced by A.
Protein change: p.Arg130=; no amino-acid change (arginine 130 retained).
Molecular consequence: synonymous variant.
Genome position (GRCh38, 1-based): chrX:37,793,715, C>A. VCF-style: chrX-37793715-C-A. GRCh37 (hg19) VCF-style: chrX-37652968-C-A.
Other names: c.388C>A (NM_000397.3).
Identifiers: ClinVar variation 1156899 (VCV001156899.13), dbSNP rs180899069, ClinGen allele CA10383718.
Genomic context (GRCh38, chrX:37,793,715, plus strand): 5'-CCCTTTTCAGCGATTCACACCATTGCACATCTATTTAATGTGGAATGGTGTGTGAATGCC[C>A]GAGTCAATAATTCTGATCCTTATTCAGTAGCACTCTCTGAACTTGGAGACAGGCAAAATG-3'
Protein context (NP_000388.2, residues 120-140): LFNVEWCVNA[Arg130=]VNNSDPYSVA

ClinVar aggregate classification (germline): Likely benign. Review status: criteria provided, multiple submitters, no conflicts (2 of 4 stars). 4 submissions from 4 submitters: Likely benign (2). 2 of the submissions do not count toward it. Last evaluated 2025-07-13.

Conditions:
CYBB-related disorder. Also called: CYBB-related condition.
Chronic granulomatous disease. Identifiers: Orphanet 379, MedGen C0018203, MONDO:0018305.
Granulomatous disease, chronic, X-linked. Also called: GRANULOMATOUS DISEASE, CHRONIC, X-LINKED, SOMATIC MOSAIC; CYTOCHROME b-NEGATIVE GRANULOMATOUS DISEASE, CHRONIC, X-LINKED. Identifiers: Orphanet 379, MedGen C1844376, MONDO:0010600, OMIM 306400.

Allele frequency attached by ClinVar (database versions not stated): ExAC 0.00002; gnomAD exomes 0.00003; TOPMed 0.00003; gnomAD 0.00004 and 0.00006; 1000 Genomes Project 30x 0.00042; 1000 Genomes Project 0.00053.
gnomAD v4.1: 33 of 1,204,609 alleles (0.0027%); highest among the groups gnomAD compares: Middle Eastern, 0.092%; no homozygotes.

Submissions (4):

Labcorp Genetics (formerly Invitae), Labcorp
Classification: Likely benign for Granulomatous disease, chronic, X-linked. Last evaluated: 2025-07-13. Review status: criteria provided, single submitter. Criteria: Invitae Variant Classification Sherloc (09022015). Collection method: clinical testing. Allele origin: germline.

Blueprint Genetics
Classification: Likely benign. Last evaluated: 2024-11-01. Review status: criteria provided, single submitter. Criteria: ACMG Guidelines, 2015. Collection method: clinical testing. Allele origin: germline.

Natera, Inc.
Classification: Likely benign for Chronic granulomatous disease. Last evaluated: 2021-08-11. Review status: no assertion criteria provided. Collection method: clinical testing. Allele origin: germline. Not counted in ClinVar's aggregate classification.

PreventionGenetics, part of Exact Sciences
Classification: Likely benign for CYBB-related condition. Last evaluated: 2019-03-12. Review status: no assertion criteria provided. Collection method: clinical testing. Allele origin: germline. Not counted in ClinVar's aggregate classification.
Comment: This variant is classified as likely benign based on ACMG/AMP sequence variant interpretation guidelines (Richards et al. 2015 PMID: 25741868, with internal and published modifications).